The following is an entry in ClinVar:

ClinVar aggregate classification (germline): Likely pathogenic (1 of 4 stars; one submission).

Conditions:
KDM5B-related disorder. Also called: KDM5B-related condition.

gnomAD v4.1: 6 of 1,611,620 alleles (0.00037%); highest among the groups gnomAD compares: Non-Finnish European, 0.00042%; no homozygotes.

Submission:

PreventionGenetics, part of Exact Sciences
Classification: Likely pathogenic for KDM5B-related condition. Last evaluated: 2025-01-10. Review status: criteria provided, single submitter. Criteria: ACMG Guidelines, 2015. Collection method: clinical testing. Allele origin: germline.
Comment: The KDM5B c.4000C>T variant is predicted to result in premature protein termination (p.Arg1334*). This variant was reported as de novo in a large autism spectrum disorder cohort (Supplementary Table 2 in Fu et al. 2022. PubMed ID: 35982160). This variant is reported in 0.0040% of alleles in individuals of European (Finnish) descent in gnomAD. Nonsense variants in KDM5B are expected to be pathogenic for autosomal recessive KDM5B-related disorders. This variant is interpreted as likely pathogenic.

NM_006618.5(KDM5B):c.4000C>T (p.Arg1334Ter)

Gene: KDM5B (lysine demethylase 5B; minus strand). Cytogenetic location: 1q32.1.
Variant type: single nucleotide variant.
Coding change: c.4000C>T on transcript NM_006618.5 (MANE Select); coding-DNA position 4000, C replaced by T.
Protein change: p.Arg1334Ter; replaces arginine 1334 with a stop codon.
Molecular consequence: nonsense.
Genome position (GRCh38, 1-based): chr1:202,731,849, G>A on the plus strand (C>T on the coding strand, the complement: KDM5B is on the minus strand). VCF-style: chr1-202731849-G-A. GRCh37 (hg19) VCF-style: chr1-202700977-G-A.
Other names: c.4108C>T, p.Arg1370Ter (NM_001314042.2); c.3865C>T, p.Arg1289Ter (NM_001347591.2); c.3985C>T, p.Arg1329Ter (NM_001399817.1); short protein forms R1289*, R1329*, R1370*, R1334*.
Identifiers: ClinVar variation 4983558 (VCV004983558.1).